The following is an entry in ClinVar:

ClinVar aggregate classification (germline): Uncertain significance. Review status: criteria provided, multiple submitters, no conflicts (2 of 4 stars). 2 submissions from 2 submitters: Uncertain significance (2). Last evaluated 2025-07-29.

Conditions:
Perlman syndrome (PRLMNS). Identifiers: Orphanet 2849, MedGen C0796113, MONDO:0009965, OMIM 267000.

Allele frequency attached by ClinVar (database versions not stated): gnomAD 0.00001; gnomAD exomes 0.00001 and 0.00002; ExAC 0.00002.
gnomAD v4.1: 19 of 1,613,776 alleles (0.0012%); highest among the groups gnomAD compares: Non-Finnish European, 0.0014%; no homozygotes.

Submissions (2):

Labcorp Genetics (formerly Invitae), Labcorp
Classification: Uncertain significance for Perlman syndrome. Last evaluated: 2025-07-29. Review status: criteria provided, single submitter. Criteria: Invitae Variant Classification Sherloc (09022015). Collection method: clinical testing. Allele origin: germline.
Comment: This sequence change replaces histidine, which is basic and polar, with tyrosine, which is neutral and polar, at codon 562 of the DIS3L2 protein (p.His562Tyr). This variant is present in population databases (rs748574652, gnomAD 0.01%). This variant has not been reported in the literature in individuals affected with DIS3L2-related conditions. ClinVar contains an entry for this variant (Variation ID: 531930). An algorithm developed to predict the effect of missense changes on protein structure and function (PolyPhen-2) suggests that this variant is likely to be tolerated. In summary, the available evidence is currently insufficient to determine the role of this variant in disease. Therefore, it has been classified as a Variant of Uncertain Significance.

Sema4
Classification: Uncertain significance for Perlman syndrome. Last evaluated: 2021-07-23. Review status: criteria provided, single submitter. Criteria: Sema4 Curation Guidelines. Collection method: curation. Allele origin: germline.
Comment: The DIS3L2 c.1684C>T (p.H562Y) variant has not been reported in the literature to our knowledge. It was observed in 4/248980 chromosomes in the large and broad cohorts of the Genome Aggregation Database. The variant has been reported in ClinVar (Variation ID 531930). In silico tools suggest the impact of the variant on protein function is benign, though these predictions have not been confirmed by functional studies. The evidence is insufficient to meet ACMG/AMP criteria for classifying the variant as benign or pathogenic. Thus, the clinical significance of this variant is currently uncertain.

NM_152383.5(DIS3L2):c.1684C>T (p.His562Tyr)

Gene: DIS3L2 (DIS3 like 3'-5' exoribonuclease 2; plus strand). Cytogenetic location: 2q37.1.
Variant type: single nucleotide variant.
Coding change: c.1684C>T on transcript NM_152383.5 (MANE Select); coding-DNA position 1684, C replaced by T.
Protein change: p.His562Tyr; replaces histidine 562 with tyrosine.
Molecular consequence: missense variant. On other transcripts: non-coding transcript variant (2), intron variant (1).
Genome position (GRCh38, 1-based): chr2:232,300,064, C>T. VCF-style: chr2-232300064-C-T. GRCh37 (hg19) VCF-style: chr2-233164774-C-T.
Other names: c.1581+36702C>T (NM_001257281.2); short protein forms H562Y.
Identifiers: ClinVar variation 531930 (VCV000531930.12), dbSNP rs748574652, ClinGen allele CA2164235.